The following is an entry in ClinVar:

NM_000264.5(PTCH1):c.560_574del (p.Arg187_Met192delinsLeu)

Gene: PTCH1 (patched 1; minus strand). Cytogenetic location: 9q22.32.
Variant type: Deletion.
Coding change: c.560_574del on transcript NM_000264.5 (MANE Select); coding-DNA positions 560 to 574, 15 bases deleted (GTGTCCATGTATACA).
Protein change: p.Arg187_Met192delinsLeu.
Molecular consequence: inframe indel. On other transcripts: non-coding transcript variant (1).
Genome position (GRCh38, 1-based): chr9:95,485,695-95,485,709, TGTATACATGGACAC deleted on the plus strand (GTGTCCATGTATACA on the coding strand, the reverse complement: PTCH1 is on the minus strand). VCF-style (leftmost placement, unchanged base first): chr9-95485694-ATGTATACATGGACAC-A. GRCh37 (hg19) VCF-style: chr9-98247976-ATGTATACATGGACAC-A.
Other names: c.362_376del, p.Arg121_Met126delinsLeu (NM_001083602.3, NM_001354919.2); c.557_571del, p.Arg186_Met191delinsLeu (NM_001083603.3); c.107_121del, p.Arg36_Met41delinsLeu (NM_001083604.3, NM_001083605.3, NM_001083606.3 and 1 more transcripts); c.560_574del, p.Arg187_Met192delinsLeu (NM_001354918.2).
Identifiers: ClinVar variation 943055 (VCV000943055.10), dbSNP rs1841905841, ClinGen allele CA1139661024.
Genomic context (GRCh38, chr9:95,485,694, plus strand): 5'-TCCCACCGCCTTACCTGCTGCTCATTAGTAGGTGGACGCGGCGGGCCTTACCTGTTGTAC[ATGTATACATGGACAC>A]GGCTGGCCTGGAGTGCCGAGTCCAGGTGTTGTAGGAGCGCTTCTGTGGTCAGGACATTAG-3'

ClinVar aggregate classification (germline): Uncertain significance (1 of 4 stars; one submission).

Conditions:
Gorlin syndrome. Also called: Nevoid Basal Cell Carcinoma Syndrome; Basal cell nevus syndrome. Identifiers: Orphanet 377, MedGen C0004779, MONDO:0007187.

Submission:

Labcorp Genetics (formerly Invitae), Labcorp
Classification: Uncertain significance for Gorlin syndrome. Last evaluated: 2019-09-19. Review status: criteria provided, single submitter. Criteria: Invitae Variant Classification Sherloc (09022015). Collection method: clinical testing. Allele origin: germline.
Comment: This variant, c.560_574del, is a complex sequence change that results in the deletion of 6 and insertion of 1 amino acid in the PTCH1 protein (p.Arg187_Met192delinsLeu). In summary, the available evidence is currently insufficient to determine the role of this variant in disease. Therefore, it has been classified as a Variant of Uncertain Significance. Experimental studies and prediction algorithms are not available or were not evaluated for this variant, and the functional significance of this variant is currently unknown. This variant has not been reported in the literature in individuals with PTCH1-related conditions. This variant is not present in population databases (ExAC no frequency).